The following is an entry in ClinVar:

NM_001130987.2(DYSF):c.3228+202_3228+245del

Gene: DYSF (dysferlin; plus strand). Cytogenetic location: 2p13.2.
Variant type: Microsatellite.
Coding change: c.3228+202_3228+245del on transcript NM_001130987.2 (MANE Select); bases 202 to 245 of the intron after coding-DNA position 3228, 44 bases deleted.
Molecular consequence: intron variant.
Genome position (GRCh38, 1-based): chr2:71,570,943-71,570,986, 44 bases deleted; deleting any 44 consecutive bases within chr2:71,570,881-71,570,986 gives the same sequence; the c. name uses the placement nearest the transcript's 3' end. GRCh37 (hg19), VCF-style position (the base before the change): chr2:71,798,010.
Other names: c.3267+202_3267+245del (NM_001130979.2); c.3225+202_3225+245del (NM_001130981.2, NM_001130980.2); c.3174+202_3174+245del (NM_001130978.2, NM_003494.4); c.3132+202_3132+245del (NM_001130977.2, NM_001130976.2); c.3270+202_3270+245del (NM_001130982.2); c.3228+202_3228+245del (NM_001130985.2); c.3177+202_3177+245del (NM_001130983.2, NM_001130455.2); c.3135+202_3135+245del (NM_001130984.2, NM_001130986.2).
Identifiers: ClinVar variation 679574 (VCV000679574.1), dbSNP rs1183404242, ClinGen allele CA533258801.
Genomic context (GRCh38, chr2:71,570,880, plus strand): 5'-CACAGACACATGCATGTGTGCACACAGCATGCACAGACACCTGGGACTCACTGGAGGTGC[TCACAGATCACACCCAGCATACCCAAAGATCACACCCAGCATACA>T]CACAGATCACACCCAGCATACCCAAAGATCACACCCAGCATACACACAGATCACACCCAG-3'

ClinVar aggregate classification (germline): Likely benign (1 of 4 stars; one submission).

Submission:

GeneDx
Classification: Likely benign. Last evaluated: 2018-06-14. Review status: criteria provided, single submitter. Criteria: GeneDx Variant Classification (06012015). Collection method: clinical testing. Allele origin: germline. Affected: yes.
Comment: This variant is considered likely benign or benign based on one or more of the following criteria: it is a conservative change, it occurs at a poorly conserved position in the protein, it is predicted to be benign by multiple in silico algorithms, and/or has population frequency not consistent with disease.